The following is an entry in ClinVar:

ClinVar aggregate classification (germline): Likely pathogenic (1 of 4 stars; one submission).

Conditions:
Ehlers-Danlos syndrome, classic type, 1 (EDSCL1). Also called: EDS I; EHLERS-DANLOS SYNDROME, GRAVIS TYPE; EHLERS-DANLOS SYNDROME, SEVERE CLASSIC TYPE; Ehlers-Danlos Syndrome, Classic Type, COL5A1-Related; Ehlers-Danlos syndrome, type 1. Identifiers: MedGen C0268335, MONDO:0019567, OMIM 130000.

Submission:

Labcorp Genetics (formerly Invitae), Labcorp
Classification: Likely pathogenic for Ehlers-Danlos syndrome, classic type, 1. Last evaluated: 2018-12-27. Review status: criteria provided, single submitter. Criteria: Invitae Variant Classification Sherloc (09022015). Collection method: clinical testing. Allele origin: germline.
Comment: Donor and acceptor splice site variants typically lead to a loss of protein function (PMID: 16199547), and loss-of-function variants in COL5A1 are known to be pathogenic (PMID: 23587214). This variant has not been reported in the literature in individuals with COL5A1-related conditions. This variant is not present in population databases (ExAC no frequency). This sequence change affects an acceptor splice site in intron 44 of the COL5A1 gene. It is expected to disrupt RNA splicing and likely results in an absent or disrupted protein product. In summary, the currently available evidence indicates that the variant is pathogenic, but additional data are needed to prove that conclusively. Therefore, this variant has been classified as Likely Pathogenic.

Literature cited by the submitters: PubMed 16199547; PubMed 23587214.

NM_000093.5(COL5A1):c.3529-1G>T

Gene: COL5A1 (collagen type V alpha 1 chain; plus strand). Cytogenetic location: 9q34.3.
Variant type: single nucleotide variant.
Coding change: c.3529-1G>T on transcript NM_000093.5 (MANE Select); the canonical splice acceptor site of the intron before coding-DNA position 3529, G replaced by T.
Molecular consequence: splice acceptor variant.
Genome position (GRCh38, 1-based): chr9:134,811,338, G>T. VCF-style: chr9-134811338-G-T. GRCh37 (hg19) VCF-style: chr9-137703184-G-T.
Other names: c.3529-1G>T (NM_001278074.1).
Identifiers: ClinVar variation 662508 (VCV000662508.8), dbSNP rs1588577214, ClinGen allele CA375453748.